The following is an entry in ClinVar:

NM_000553.6(WRN):c.2089-3C>A

Gene: WRN (WRN RecQ like helicase; plus strand). Cytogenetic location: 8p12.
Variant type: single nucleotide variant.
Coding change: c.2089-3C>A on transcript NM_000553.6 (MANE Select); 3 bases into the intron before coding-DNA position 2089, C replaced by A.
Molecular consequence: intron variant.
Genome position (GRCh38, 1-based): chr8:31,111,612, C>A. VCF-style: chr8-31111612-C-A. GRCh37 (hg19) VCF-style: chr8-30969128-C-A.
Identifiers: ClinVar variation 1514212 (VCV001514212.6), dbSNP rs2130282570, ClinGen allele CA2573142655.
Genomic context (GRCh38, chr8:31,111,612, plus strand): 5'-TATAGACATGTTGGGAATGAATGAGCTCTTTCCTTTTTAAAATATCAGTTTTACATCATT[C>A]AGGTTCCAATCGTTGCACTTACTGCTACTGCAAGTTCTTCAATCCGGGAAGACATTGTAC-3'

ClinVar aggregate classification (germline): Uncertain significance (1 of 4 stars; one submission).

Conditions:
Werner syndrome (WRN). Identifiers: Orphanet 902, MedGen C0043119, MONDO:0010196, OMIM 277700.

Submission:

Labcorp Genetics (formerly Invitae), Labcorp
Classification: Uncertain significance for Werner syndrome. Last evaluated: 2022-02-20. Review status: criteria provided, single submitter. Criteria: Invitae Variant Classification Sherloc (09022015). Collection method: clinical testing. Allele origin: germline.
Comment: Variants that disrupt the consensus splice site are a relatively common cause of aberrant splicing (PMID: 17576681, 9536098). Algorithms developed to predict the effect of sequence changes on RNA splicing suggest that this variant is not likely to affect RNA splicing. In summary, the available evidence is currently insufficient to determine the role of this variant in disease. Therefore, it has been classified as a Variant of Uncertain Significance. This variant has not been reported in the literature in individuals affected with WRN-related conditions. This variant is not present in population databases (gnomAD no frequency). This sequence change falls in intron 18 of the WRN gene. It does not directly change the encoded amino acid sequence of the WRN protein. It affects a nucleotide within the consensus splice site.

Literature cited by the submitters: PubMed 17576681; PubMed 9536098.